The following is an entry in ClinVar:

ClinVar aggregate classification (germline): Uncertain significance (1 of 4 stars; one submission).

gnomAD v4.1: 3 of 1,614,172 alleles (0.00019%); highest among the groups gnomAD compares: Non-Finnish European, 0.00025%; no homozygotes.

Submission:

GeneDx
Classification: Uncertain significance. Last evaluated: 2024-01-12. Review status: criteria provided, single submitter. Criteria: GeneDx Variant Classification Process June 2021. Collection method: clinical testing. Allele origin: germline. Affected: yes.
Comment: Not observed at significant frequency in large population cohorts (gnomAD); In silico analysis supports that this missense variant does not alter protein structure/function; Has not been previously published as pathogenic or benign to our knowledge

NM_000257.4(MYH7):c.4399C>A (p.Leu1467Met)

Genes: MHRT (myosin heavy chain associated RNA transcript; plus strand), MYH7 (myosin heavy chain 7; minus strand). Cytogenetic location: 14q11.2.
Variant type: single nucleotide variant.
Coding change: c.4399C>A on transcript NM_000257.4 (MANE Select); coding-DNA position 4399, C replaced by A.
Protein change: p.Leu1467Met; replaces leucine 1467 with methionine.
Molecular consequence: missense variant. On other transcripts: non-coding transcript variant (1).
Genome position (GRCh38, 1-based): chr14:23,417,273, G>T on the plus strand (C>A on the coding strand, the complement: MYH7 is on the minus strand). VCF-style: chr14-23417273-G-T. GRCh37 (hg19) VCF-style: chr14-23886482-G-T.
Other names: c.4399C>A, p.Leu1467Met (NM_001407004.1); short protein forms L1467M.
Identifiers: ClinVar variation 3367711 (VCV003367711.1).